The following is an entry in ClinVar:

NM_001098.3(ACO2):c.2222TCA[1] (p.Ile742del)

Genes: ACO2 (aconitase 2; plus strand), POLR3H (RNA polymerase III subunit H; minus strand). Cytogenetic location: 22q13.2.
Variant type: Microsatellite.
Coding change: c.2222TCA[1] on transcript NM_001098.3 (MANE Select); one copy of the 3-base unit TCA starting at c.2222; the reference has two copies in a row; one copy, 3 bases deleted.
Protein change: p.Ile742del; deletes isoleucine 742.
Molecular consequence: inframe deletion. On other transcripts: 3 prime UTR variant (5).
Genome position (GRCh38, 1-based): chr22:41,528,495-41,528,497, TCA deleted; deleting any 3 consecutive bases within chr22:41,528,490-41,528,497 gives the same sequence; the position shown is the placement nearest the transcript's 3' end. VCF-style (leftmost placement, unchanged base first): chr22-41528489-GCAT-G. GRCh37 (hg19) VCF-style: chr22-41924493-GCAT-G.
Other names: c.*788ATG[1] (NM_001018050.4, NM_001018052.4, NM_001282884.2 and 2 more transcripts); short protein forms I742del.
Identifiers: ClinVar variation 1354850 (VCV001354850.8), dbSNP rs2146158052, ClinGen allele CA2580615322.
Genomic context (GRCh38, chr22:41,528,489, plus strand): 5'-AGGGCACACAGTACCCACCACTTCCACCCACACCCACCTTCTCCTTGCAGCCCCTGAAGT[GCAT>G]CATCAAGCACCCCAACGGGACCCAGGAGACCATCCTCCTGAACCACACCTTCAACGAGAC-3'

ClinVar aggregate classification (germline): Uncertain significance (1 of 4 stars; one submission).

Submission:

Labcorp Genetics (formerly Invitae), Labcorp
Classification: Uncertain significance. Last evaluated: 2022-01-14. Review status: criteria provided, single submitter. Criteria: Invitae Variant Classification Sherloc (09022015). Collection method: clinical testing. Allele origin: germline.
Comment: In summary, the available evidence is currently insufficient to determine the role of this variant in disease. Therefore, it has been classified as a Variant of Uncertain Significance. Experimental studies and prediction algorithms are not available or were not evaluated, and the functional significance of this variant is currently unknown. This variant has not been reported in the literature in individuals affected with ACO2-related conditions. This variant is not present in population databases (gnomAD no frequency). This variant, c.2225_2227del, results in the deletion of 1 amino acid(s) of the ACO2 protein (p.Ile742del), but otherwise preserves the integrity of the reading frame.